The following is an entry in ClinVar:

ClinVar aggregate classification (germline): Uncertain significance (1 of 4 stars; one submission).

Submission:

Labcorp Genetics (formerly Invitae), Labcorp
Classification: Uncertain significance. Last evaluated: 2022-12-15. Review status: criteria provided, single submitter. Criteria: Invitae Variant Classification Sherloc (09022015). Collection method: clinical testing. Allele origin: germline.
Comment: In summary, the available evidence is currently insufficient to determine the role of this variant in disease. Therefore, it has been classified as a Variant of Uncertain Significance. This variant, c.1969_1971del, results in the deletion of 1 amino acid(s) of the ANKZF1 protein (p.Lys657del), but otherwise preserves the integrity of the reading frame. Experimental studies and prediction algorithms are not available or were not evaluated, and the functional significance of this variant is currently unknown. This variant has not been reported in the literature in individuals affected with ANKZF1-related conditions. This variant is present in population databases (rs755299273, gnomAD 0.002%).

NM_018089.3(ANKZF1):c.1969_1971delAAG (p.Lys657del)

Gene: ANKZF1 (ankyrin repeat and zinc finger peptidyl tRNA hydrolase 1; plus strand). Cytogenetic location: 2q35.
Variant type: Deletion.
Coding change: c.1969_1971delAAG on transcript NM_018089.3 (MANE Select); coding-DNA positions 1969 to 1971, 3 bases deleted (AAG).
Protein change: p.Lys657del; deletes lysine 657.
Molecular consequence: inframe deletion.
Genome position (GRCh38, 1-based): chr2:219,235,873-219,235,875, AAG deleted; deleting any 3 consecutive bases within chr2:219,235,871-219,235,875 gives the same sequence; the c. name uses the placement nearest the transcript's 3' end. VCF-style (leftmost placement, unchanged base first): chr2-219235870-GAGA-G. GRCh37 (hg19) VCF-style: chr2-220100592-GAGA-G.
Other names: c.1969_1971delAAG, p.Lys657del (NM_001042410.2); c.1339_1341delAAG, p.Lys447del (NM_001282792.2); short protein forms K657del, K447del.
Identifiers: ClinVar variation 2094101 (VCV002094101.4), dbSNP rs755299273, ClinGen allele CA2121242.